The following is an entry in ClinVar:

ClinVar aggregate classification (germline): Uncertain significance. Review status: criteria provided, multiple submitters, no conflicts (2 of 4 stars). 4 submissions from 4 submitters: Uncertain significance (4). Last evaluated 2025-01-27.

Conditions:
Cardiovascular phenotype. Identifiers: MedGen CN230736.

Allele frequency attached by ClinVar (database versions not stated): gnomAD 0.00001 and 0.00002; TOPMed 0.00002.
gnomAD v4.1: 43 of 1,550,104 alleles (0.0028%); highest among the groups gnomAD compares: Middle Eastern, 0.12%; no homozygotes.

Submissions (4):

Ambry Genetics
Classification: Uncertain significance for Cardiovascular phenotype. Last evaluated: 2025-01-27. Review status: criteria provided, single submitter. Criteria: Ambry Variant Classification Scheme 2023. Collection method: clinical testing. Allele origin: germline.

CeGaT Center for Human Genetics Tuebingen
Classification: Uncertain significance. Last evaluated: 2024-02-01. Review status: criteria provided, single submitter. Criteria: CeGaT Center For Human Genetics Tuebingen Variant Classification Criteria Version 2. Collection method: clinical testing. Allele origin: germline. Affected: yes. Observed: 1 variant allele.
Comment: ZNF469: PM2, BP4

Labcorp Genetics (formerly Invitae), Labcorp
Classification: Uncertain significance. Last evaluated: 2021-12-18. Review status: criteria provided, single submitter. Criteria: Invitae Variant Classification Sherloc (09022015). Collection method: clinical testing. Allele origin: germline.
Comment: This sequence change replaces glycine, which is neutral and non-polar, with cysteine, which is neutral and slightly polar, at codon 2942 of the ZNF469 protein (p.Gly2942Cys). This variant is present in population databases (no rsID available, gnomAD 0.01%). This variant has not been reported in the literature in individuals affected with ZNF469-related conditions. Algorithms developed to predict the effect of missense changes on protein structure and function are either unavailable or do not agree on the potential impact of this missense change (SIFT: "Deleterious"; PolyPhen-2: "Benign"; Align-GVGD: "Class C0"). In summary, the available evidence is currently insufficient to determine the role of this variant in disease. Therefore, it has been classified as a Variant of Uncertain Significance.

Breakthrough Genomics
Classification: Uncertain significance. Review status: criteria provided, single submitter. Criteria: ACMG Guidelines, 2015. Collection method: not provided. Allele origin: germline. Inheritance: Autosomal recessive inheritance. Affected: yes.

NM_001367624.2(ZNF469):c.8908G>T (p.Gly2970Cys)

Gene: ZNF469 (zinc finger protein 469; plus strand). Cytogenetic location: 16q24.2.
Variant type: single nucleotide variant.
Coding change: c.8908G>T on transcript NM_001367624.2 (MANE Select); coding-DNA position 8908, G replaced by T.
Protein change: p.Gly2970Cys; replaces glycine 2970 with cysteine.
Molecular consequence: missense variant.
Genome position (GRCh38, 1-based): chr16:88,436,378, G>T. VCF-style: chr16-88436378-G-T. GRCh37 (hg19) VCF-style: chr16-88502786-G-T.
Other names: NM_001127464.1:c.8824G>T; short protein forms G2970C.
Identifiers: ClinVar variation 1520250 (VCV001520250.28), dbSNP rs1426809592, ClinGen allele CA397119703.